The following is an entry in ClinVar:

ClinVar aggregate classification (germline): Likely benign (1 of 4 stars; one submission).

gnomAD v4.1: 2 of 1,614,052 alleles (0.00012%); no homozygotes.

Submission:

CeGaT Center for Human Genetics Tuebingen
Classification: Likely benign. Last evaluated: 2024-05-01. Review status: criteria provided, single submitter. Criteria: CeGaT Center For Human Genetics Tuebingen Variant Classification Criteria Version 2. Collection method: clinical testing. Allele origin: germline. Affected: yes. Observed: 1 variant allele.
Comment: KMT2C: BP4, BP7

NM_170606.3(KMT2C):c.2514T>C (p.Gly838=)

Gene: KMT2C (lysine methyltransferase 2C; minus strand). Cytogenetic location: 7q36.1.
Variant type: single nucleotide variant.
Coding change: c.2514T>C on transcript NM_170606.3 (MANE Select); coding-DNA position 2514, T replaced by C.
Protein change: p.Gly838=; no amino-acid change (glycine 838 retained).
Molecular consequence: synonymous variant.
Genome position (GRCh38, 1-based): chr7:152,247,920, A>G on the plus strand (T>C on the coding strand, the complement: KMT2C is on the minus strand). VCF-style: chr7-152247920-A-G. GRCh37 (hg19) VCF-style: chr7-151945005-A-G.
Identifiers: ClinVar variation 3239214 (VCV003239214.19), dbSNP rs1316899199.